The following is an entry in ClinVar:

ClinVar aggregate classification (germline): Uncertain significance. Review status: criteria provided, multiple submitters, no conflicts (2 of 4 stars). 2 submissions from 2 submitters: Uncertain significance (2). Last evaluated 2024-09-10.

Conditions:
Inborn genetic diseases. Identifiers: MedGen C0950123, MeSH D030342.

Allele frequency attached by ClinVar (database versions not stated): TOPMed 0.00005; gnomAD exomes below 0.00001; ExAC 0.00001; gnomAD 0.00003.
gnomAD v4.1: 7 of 1,614,012 alleles (0.00043%); highest among the groups gnomAD compares: Admixed American, 0.0067%; no homozygotes.

Submissions (2):

Ambry Genetics
Classification: Uncertain significance for Inborn genetic diseases. Last evaluated: 2024-09-10. Review status: criteria provided, single submitter. Criteria: Ambry Variant Classification Scheme 2023. Collection method: clinical testing. Allele origin: germline.

Labcorp Genetics (formerly Invitae), Labcorp
Classification: Uncertain significance. Last evaluated: 2022-05-06. Review status: criteria provided, single submitter. Criteria: Invitae Variant Classification Sherloc (09022015). Collection method: clinical testing. Allele origin: germline.
Comment: This sequence change replaces arginine, which is basic and polar, with threonine, which is neutral and polar, at codon 727 of the SH3PXD2B protein (p.Arg727Thr). This variant is present in population databases (rs778124912, gnomAD 0.007%). This variant has not been reported in the literature in individuals affected with SH3PXD2B-related conditions. Algorithms developed to predict the effect of missense changes on protein structure and function are either unavailable or do not agree on the potential impact of this missense change (SIFT: "Deleterious"; PolyPhen-2: "Benign"; Align-GVGD: "Class C0"). In summary, the available evidence is currently insufficient to determine the role of this variant in disease. Therefore, it has been classified as a Variant of Uncertain Significance.

NM_001017995.3(SH3PXD2B):c.2180G>C (p.Arg727Thr)

Gene: SH3PXD2B (SH3 and PX domains 2B; minus strand). Cytogenetic location: 5q35.1.
Variant type: single nucleotide variant.
Coding change: c.2180G>C on transcript NM_001017995.3 (MANE Select); coding-DNA position 2180, G replaced by C.
Protein change: p.Arg727Thr; replaces arginine 727 with threonine.
Molecular consequence: missense variant. On other transcripts: intron variant (1).
Genome position (GRCh38, 1-based): chr5:172,338,925, C>G on the plus strand (G>C on the coding strand, the complement: SH3PXD2B is on the minus strand). VCF-style: chr5-172338925-C-G. GRCh37 (hg19) VCF-style: chr5-171765929-C-G.
Other names: c.1188+7211G>C (NM_001308175.2); c.2180G>C (NM_001017995.2); short protein forms R727T.
Identifiers: ClinVar variation 1990145 (VCV001990145.2), dbSNP rs778124912, ClinGen allele CA3561023.